The following is an entry in ClinVar:

ClinVar aggregate classification (germline): Uncertain significance (1 of 4 stars; one submission).

Allele frequency attached by ClinVar (database versions not stated): gnomAD exomes below 0.00001.

Submission:

GeneDx
Classification: Uncertain significance. Last evaluated: 2026-01-21. Review status: criteria provided, single submitter. Criteria: GeneDx Variant Classification Process June 2021. Collection method: clinical testing. Allele origin: germline. Affected: yes.
Comment: Not observed at significant frequency in large population cohorts (gnomAD); In silico analysis suggests that this missense variant does not alter protein structure/function; Has not been previously published as pathogenic or benign to our knowledge

NM_019066.5(MAGEL2):c.2759G>T (p.Ser920Ile)

Gene: MAGEL2 (MAGE family member L2; minus strand). Cytogenetic location: 15q11.2.
Variant type: single nucleotide variant.
Coding change: c.2759G>T on transcript NM_019066.5 (MANE Select); coding-DNA position 2759, G replaced by T.
Protein change: p.Ser920Ile; replaces serine 920 with isoleucine.
Molecular consequence: missense variant.
Genome position (GRCh38, 1-based): chr15:23,644,984, C>A on the plus strand (G>T on the coding strand, the complement: MAGEL2 is on the minus strand). VCF-style: chr15-23644984-C-A. GRCh37 (hg19) VCF-style: chr15-23890131-C-A.
Other names: short protein forms S920I.
Identifiers: ClinVar variation 2505833 (VCV002505833.2), dbSNP rs2503976156, ClinGen allele CA391330166.
Genomic context (GRCh38, chr15:23,644,984, plus strand): 5'-GGGGTGTTTGGGTGCTCCCAGTCACCCGAGACCTGGATAGGGCTTTGGACCTCCCAGTCA[C>A]TCAGATTTAGATTCTCCCAGGGCCTTGGGCCCTGCCAGTCATGAAAGGCTAGCGTGTGGC-3'
Protein context (NP_061939.3, residues 910-930): GPRPWENLNL[Ser920Ile]DWEVQSPIQV